The following is an entry in ClinVar:

ClinVar aggregate classification (germline): Uncertain significance. Review status: criteria provided, multiple submitters, no conflicts (2 of 4 stars). 3 submissions from 2 submitters: Uncertain significance (3). Last evaluated 2025-04-09.

Conditions:
Dilated cardiomyopathy 1Y (CMD1Y). Identifiers: Orphanet 154, Orphanet 54260, MedGen C2678476, MONDO:0012744, OMIM 611878.
Hypertrophic cardiomyopathy 3. Also called: TPM1-Related Familial Hypertrophic Cardiomyopathy. Identifiers: MedGen C1861863, MONDO:0007267, OMIM 115196.
Cardiovascular phenotype. Identifiers: MedGen CN230736.

Allele frequency attached by ClinVar (database versions not stated): TOPMed below 0.00001; gnomAD 0.00001; gnomAD exomes 0.00001 and 0.00002; ExAC 0.00003.
gnomAD v4.1: 12 of 1,611,438 alleles (0.00074%); highest among the groups gnomAD compares: Admixed American, 0.0017%; no homozygotes.

Submissions (3):

Molecular Diagnostic Laboratory for Inherited Cardiovascular Disease, Montreal Heart Institute
Classification: Uncertain significance for Cardiovascular phenotype. Last evaluated: 2025-04-09. Review status: criteria provided, single submitter. Criteria: ACMG Guidelines, 2015. Collection method: clinical testing. Allele origin: germline. Affected: yes.
Comment: PM2, BP5

Illumina Laboratory Services, Illumina
Classification: Uncertain significance for Hypertrophic cardiomyopathy 3. Last evaluated: 2018-01-13. Review status: criteria provided, single submitter. Criteria: ICSL Variant Classification Criteria 13 December 2019. Collection method: clinical testing. Allele origin: germline.

Illumina Laboratory Services, Illumina
Classification: Uncertain significance for Dilated cardiomyopathy 1Y. Last evaluated: 2018-01-13. Review status: criteria provided, single submitter. Criteria: ICSL Variant Classification Criteria 13 December 2019. Collection method: clinical testing. Allele origin: germline.

NM_001018005.2(TPM1):c.*11T>G

Gene: TPM1 (tropomyosin 1; plus strand). Cytogenetic location: 15q22.2.
Variant type: single nucleotide variant.
Coding change: c.*11T>G on transcript NM_001018005.2 (MANE Select); 11 bases downstream of the stop codon, T replaced by G.
Molecular consequence: 3 prime UTR variant. On other transcripts: missense variant (2), intron variant (10).
Genome position (GRCh38, 1-based): chr15:63,065,910, T>G. VCF-style: chr15-63065910-T-G. GRCh37 (hg19) VCF-style: chr15-63358109-T-G.
Other names: c.*59T>G (NM_000366.6, NM_001365779.1); c.*11T>G (NM_001301244.2, NM_001330346.2); c.787T>G, p.Phe263Val (NM_001365777.1); c.679T>G, p.Phe227Val (NM_001365780.1); c.*1764T>G (NM_001365781.2, NM_001365782.1); c.898+3265T>G (NM_001365778.1); c.772+3265T>G (NM_001018020.2, NM_001018007.2, NM_001018006.2 and 2 more transcripts); c.664+3265T>G (NM_001330351.2, NM_001330344.2, NM_001018008.2 and 1 more transcripts); short protein forms F227V, F263V.
Identifiers: ClinVar variation 887159 (VCV000887159.5), dbSNP rs752883071, ClinGen allele CA032918.